The following is an entry in ClinVar:

ClinVar aggregate classification (germline): Likely benign. Review status: criteria provided, single submitter (1 of 4 stars). 2 submissions from 2 submitters: Likely benign (1). 1 of the submissions does not count toward it. Last evaluated 2026-01-19.

Conditions:
DNMT1-related disorder. Also called: DNMT1-related condition. Identifiers: MedGen CN381527.
Hereditary sensory neuropathy-deafness-dementia syndrome. Also called: NEUROPATHY, HEREDITARY SENSORY, WITH HEARING LOSS AND DEMENTIA; Hereditary Sensory and Autonomic Neuropathy Type 1E (HSAN1E); HSN IE; Hereditary sensory neuropathy type IE. Identifiers: Orphanet 456318, MedGen C3279885, MONDO:0013584, OMIM 614116.

gnomAD v4.1: 10 of 1,612,284 alleles (0.00062%); highest among the groups gnomAD compares: Admixed American, 0.005%; no homozygotes.

Submissions (2):

Labcorp Genetics (formerly Invitae), Labcorp
Classification: Likely benign for Hereditary sensory neuropathy-deafness-dementia syndrome. Last evaluated: 2026-01-19. Review status: criteria provided, single submitter. Criteria: Invitae Variant Classification Sherloc (09022015). Collection method: clinical testing. Allele origin: germline.

PreventionGenetics, part of Exact Sciences
Classification: Likely benign for DNMT1-related condition. Last evaluated: 2019-04-05. Review status: no assertion criteria provided. Collection method: clinical testing. Allele origin: germline. Not counted in ClinVar's aggregate classification.
Comment: This variant is classified as likely benign based on ACMG/AMP sequence variant interpretation guidelines (Richards et al. 2015 PMID: 25741868, with internal and published modifications).

NM_001130823.3(DNMT1):c.3306C>T (p.Leu1102=)

Gene: DNMT1 (DNA methyltransferase 1; minus strand). Cytogenetic location: 19p13.2.
Variant type: single nucleotide variant.
Coding change: c.3306C>T on transcript NM_001130823.3 (MANE Select); coding-DNA position 3306, C replaced by T.
Protein change: p.Leu1102=; no amino-acid change (leucine 1102 retained).
Molecular consequence: synonymous variant.
Genome position (GRCh38, 1-based): chr19:10,142,031, G>A on the plus strand (C>T on the coding strand, the complement: DNMT1 is on the minus strand). VCF-style: chr19-10142031-G-A. GRCh37 (hg19) VCF-style: chr19-10252707-G-A.
Other names: c.3258C>T, p.Leu1086= (NM_001318730.2, NM_001379.4); c.2943C>T, p.Leu981= (NM_001318731.2).
Identifiers: ClinVar variation 3352935 (VCV003352935.3).